The following is an entry in ClinVar:

ClinVar aggregate classification (germline): Uncertain significance (1 of 4 stars; one submission).

Allele frequency attached by ClinVar (database versions not stated): gnomAD exomes 0.00001; ExAC 0.00001.
gnomAD v4.1: 13 of 1,209,261 alleles (0.0011%); highest among the groups gnomAD compares: African/African-American, 0.0035%; no homozygotes.

Submission:

GeneDx
Classification: Uncertain significance. Last evaluated: 2016-11-01. Review status: criteria provided, single submitter. Criteria: GeneDx Variant Classification (06012015). Collection method: clinical testing. Allele origin: germline. Affected: yes.
Comment: A variant of uncertain significance has been identified in the ATP6AP2 gene. The R31Q variant has not been published as a pathogenic variant, nor has it been reported as a benign variant to our knowledge. It was not observed in approximately 6,500 individuals of European and African American ancestry in the NHLBI Exome Sequencing Project, indicating it is not a common benign variant in these populations. The R31Q variant is a semi-conservative amino acid substitution, which may impact secondary protein structure as these residues differ in some properties. This substitution occurs at a position that is conserved in mammals; however, Glutamine has been seen at this position in evolution. In silico analysis is inconsistent in its predictions as to whether or not the variant is damaging to the protein structure/function. Therefore, based on the currently available information, it is unclear whether this variant is a pathogenic variant or a rare benign variant.

NM_005765.3(ATP6AP2):c.92G>A (p.Arg31Gln)

Gene: ATP6AP2 (ATPase H+ transporting accessory protein 2; plus strand). Cytogenetic location: Xp11.4.
Variant type: single nucleotide variant.
Coding change: c.92G>A on transcript NM_005765.3 (MANE Select); coding-DNA position 92, G replaced by A.
Protein change: p.Arg31Gln; replaces arginine 31 with glutamine.
Molecular consequence: missense variant.
Genome position (GRCh38, 1-based): chrX:40,589,040, G>A. VCF-style: chrX-40589040-G-A. GRCh37 (hg19) VCF-style: chrX-40448292-G-A.
Other names: short protein forms R31Q.
Identifiers: ClinVar variation 390461 (VCV000390461.2), dbSNP rs768989127, ClinGen allele CA10387158.